The following is an entry in ClinVar:

ClinVar aggregate classification (germline): Uncertain significance (1 of 4 stars; one submission).

Conditions:
PLXNA2-related disorder. Also called: PLXNA2-related condition.

Allele frequency attached by ClinVar (database versions not stated): TOPMed below 0.00001.
gnomAD v4.1: 2 of 1,614,164 alleles (0.00012%); highest among the groups gnomAD compares: Middle Eastern, 0.016%; no homozygotes.

Submission:

PreventionGenetics, part of Exact Sciences
Classification: Uncertain significance for PLXNA2-related condition. Last evaluated: 2025-12-02. Review status: criteria provided, single submitter. Criteria: ACMG Guidelines, 2015. Collection method: clinical testing. Allele origin: germline.
Comment: The PLXNA2 c.1553G>T variant is predicted to result in the amino acid substitution p.Gly518Val. To our knowledge, this variant has not been reported in the literature or in gnomAD, indicating this variant is rare. At this time, the clinical significance of this variant is uncertain due to the absence of conclusive functional and genetic evidence.

NM_025179.4(PLXNA2):c.1553G>T (p.Gly518Val)

Gene: PLXNA2 (plexin A2; minus strand). Cytogenetic location: 1q32.2.
Variant type: single nucleotide variant.
Coding change: c.1553G>T on transcript NM_025179.4 (MANE Select); coding-DNA position 1553, G replaced by T.
Protein change: p.Gly518Val; replaces glycine 518 with valine.
Molecular consequence: missense variant.
Genome position (GRCh38, 1-based): chr1:208,103,201, C>A on the plus strand (G>T on the coding strand, the complement: PLXNA2 is on the minus strand). VCF-style: chr1-208103201-C-A. GRCh37 (hg19) VCF-style: chr1-208276546-C-A.
Other names: short protein forms G518V.
Identifiers: ClinVar variation 2628713 (VCV002628713.2), dbSNP rs1489790963, ClinGen allele CA344558996.
Genomic context (GRCh38, chr1:208,103,201, plus strand): 5'-ACTTACATGTTGTGCAGGGCACACCAGCCACAGTGAGGGTCCCCAGAGCTCAGGCACTCC[C>A]CACAAGTCGTATACTGCTCACATGACTCCACGGGGACCCTGGTGACCTGGCAGAGAGAGC-3'
Protein context (NP_079455.3, residues 508-528): VESCEQYTTC[Gly518Val]ECLSSGDPHC